The following is an entry in ClinVar:

NM_001111067.4(ACVR1):c.525T>C (p.Val175=)

Gene: ACVR1 (activin A receptor type 1; minus strand). Cytogenetic location: 2q24.1.
Variant type: single nucleotide variant.
Coding change: c.525T>C on transcript NM_001111067.4 (MANE Select); coding-DNA position 525, T replaced by C.
Protein change: p.Val175=; no amino-acid change (valine 175 retained).
Molecular consequence: synonymous variant.
Genome position (GRCh38, 1-based): chr2:157,778,149, A>G on the plus strand (T>C on the coding strand, the complement: ACVR1 is on the minus strand). VCF-style: chr2-157778149-A-G. GRCh37 (hg19) VCF-style: chr2-158634661-A-G.
Other names: c.525T>C, p.Val175= (NM_001105.5, NM_001347663.1, NM_001347664.1 and 3 more transcripts).
Identifiers: ClinVar variation 2651444 (VCV002651444.24), dbSNP rs371512479, ClinGen allele CA429594431.
Genomic context (GRCh38, chr2:157,778,149, plus strand): 5'-ACCTTCCTTATGCTTGGGATTTCCTGTGGGGTCATGACTTACTGCTAAAGTGCTGTCTCC[A>G]ACATTGGTGGTGATGAGCCCTTCGATAGTGCCATACTCCACGTCTCGGGGATTGAGGCGT-3'
Protein context (NP_001104537.1, residues 165-185): GTIEGLITTN[Val175=]GDSTLADLLD

ClinVar aggregate classification (germline): Likely benign (1 of 4 stars; one submission).

Submission:

CeGaT Center for Human Genetics Tuebingen
Classification: Likely benign. Last evaluated: 2022-08-01. Review status: criteria provided, single submitter. Criteria: CeGaT Center For Human Genetics Tuebingen Variant Classification Criteria Version 2. Collection method: clinical testing. Allele origin: germline. Affected: yes. Observed: 1 variant allele.
Comment: ACVR1: PM2:Supporting, BP4, BP7